The following is an entry in ClinVar:

NM_002350.4(LYN):c.886A>G (p.Thr296Ala)

Gene: LYN (LYN proto-oncogene, Src family tyrosine kinase; plus strand). Cytogenetic location: 8q12.1.
Variant type: single nucleotide variant.
Coding change: c.886A>G on transcript NM_002350.4 (MANE Select); coding-DNA position 886, A replaced by G.
Protein change: p.Thr296Ala; replaces threonine 296 with alanine.
Molecular consequence: missense variant.
Genome position (GRCh38, 1-based): chr8:55,966,810, A>G. VCF-style: chr8-55966810-A-G. GRCh37 (hg19) VCF-style: chr8-56879369-A-G.
Other names: c.823A>G, p.Thr275Ala (NM_001111097.3); short protein forms T275A, T296A.
Identifiers: ClinVar variation 2985565 (VCV002985565.3), dbSNP rs1422982748, ClinGen allele CA371285047.

ClinVar aggregate classification (germline): Uncertain significance (1 of 4 stars; one submission).

Allele frequency attached by ClinVar (database versions not stated): gnomAD 0.00001; gnomAD exomes 0.00001.
gnomAD v4.1: 5 of 1,613,920 alleles (0.00031%); highest among the groups gnomAD compares: Non-Finnish European, 0.00042%; no homozygotes.

Submission:

Labcorp Genetics (formerly Invitae), Labcorp
Classification: Uncertain significance. Last evaluated: 2023-04-11. Review status: criteria provided, single submitter. Criteria: Invitae Variant Classification Sherloc (09022015). Collection method: clinical testing. Allele origin: germline.
Comment: In summary, the available evidence is currently insufficient to determine the role of this variant in disease. Therefore, it has been classified as a Variant of Uncertain Significance. An algorithm developed to predict the effect of missense changes on protein structure and function (PolyPhen-2) suggests that this variant is likely to be tolerated. This variant has not been reported in the literature in individuals affected with LYN-related conditions. This variant is not present in population databases (gnomAD no frequency). This sequence change replaces threonine, which is neutral and polar, with alanine, which is neutral and non-polar, at codon 296 of the LYN protein (p.Thr296Ala).